The following is an entry in ClinVar:

ClinVar aggregate classification (germline): Uncertain significance (1 of 4 stars; one submission).

Conditions:
Progressive microcephaly-seizures-cortical blindness-developmental delay syndrome. Also called: Seizures, cortical blindness, and microcephaly syndrome. Identifiers: Orphanet 477814, MedGen C5567650, MONDO:0014714, OMIM 616632.
Autosomal dominant nonsyndromic hearing loss 1. Also called: DEAFNESS, AUTOSOMAL DOMINANT 1, WITH OR WITHOUT THROMBOCYTOPENIA; KONIGSMARK SYNDROME. Identifiers: Orphanet 90635, MedGen C1852282, MONDO:0007424, OMIM 124900.

Submission:

Labcorp Genetics (formerly Invitae), Labcorp
Classification: Uncertain significance for Progressive microcephaly-seizures-cortical blindness-developmental delay syndrome; Autosomal dominant nonsyndromic hearing loss 1. Last evaluated: 2025-09-24. Review status: criteria provided, single submitter. Criteria: Invitae Variant Classification Sherloc (09022015). Collection method: clinical testing. Allele origin: germline.
Comment: This sequence change falls in intron 17 of the DIAPH1 gene. It does not directly change the encoded amino acid sequence of the DIAPH1 protein. This variant is not present in population databases (gnomAD no frequency). This variant has not been reported in the literature in individuals affected with DIAPH1-related conditions. Algorithms developed to predict the effect of sequence changes on RNA splicing suggest that this variant may disrupt the consensus splice site. In summary, the available evidence is currently insufficient to determine the role of this variant in disease. Therefore, it has been classified as a Variant of Uncertain Significance.

NM_005219.5(DIAPH1):c.2474-4G>A

Gene: DIAPH1 (diaphanous related formin 1; minus strand). Cytogenetic location: 5q31.3.
Variant type: single nucleotide variant.
Coding change: c.2474-4G>A on transcript NM_005219.5 (MANE Select); 4 bases into the intron before coding-DNA position 2474, G replaced by A.
Molecular consequence: intron variant.
Genome position (GRCh38, 1-based): chr5:141,571,440, C>T on the plus strand (G>A on the coding strand, the complement: DIAPH1 is on the minus strand). VCF-style: chr5-141571440-C-T. GRCh37 (hg19) VCF-style: chr5-140951007-C-T.
Other names: c.2447-4G>A (NM_001079812.3); c.2474-4G>A (NM_001314007.2).
Identifiers: ClinVar variation 4786225 (VCV004786225.1).